The following is an entry in ClinVar:

NM_001374385.1(ATP8B1):c.3087C>A (p.Asn1029Lys)

Genes: ATP8B1 (ATPase phospholipid transporting 8B1; minus strand), ATP8B1-AS1 (ATP8B1 antisense RNA 1; plus strand). Cytogenetic location: 18q21.31.
Variant type: single nucleotide variant.
Coding change: c.3087C>A on transcript NM_001374385.1 (MANE Select); coding-DNA position 3087, C replaced by A.
Protein change: p.Asn1029Lys; replaces asparagine 1029 with lysine.
Molecular consequence: missense variant.
Genome position (GRCh38, 1-based): chr18:57,652,658, G>T on the plus strand (C>A on the coding strand, the complement: ATP8B1 is on the minus strand). VCF-style: chr18-57652658-G-T. GRCh37 (hg19) VCF-style: chr18-55319890-G-T.
Other names: c.2937C>A, p.Asn979Lys (NM_001374386.1); c.3087C>A, p.Asn1029Lys (NM_005603.6); short protein forms N1029K, N979K.
Identifiers: ClinVar variation 3366682 (VCV003366682.2).

ClinVar aggregate classification (germline): Uncertain significance. Review status: criteria provided, multiple submitters, no conflicts (2 of 4 stars). 2 submissions from 2 submitters: Uncertain significance (2). Last evaluated 2026-04-14.

Conditions:
Familial intrahepatic cholestasis. Identifiers: Orphanet 284385, MedGen CN296401, MONDO:0017290.

Submissions (2):

Genomenon, Inc
Classification: Uncertain significance for Familial intrahepatic cholestasis. Last evaluated: 2026-04-14. Review status: criteria provided, single submitter. Criteria: Genomenon Sequence Variant Interpretation Standards - Updated. Collection method: curation. Allele origin: germline. Affected: yes.
Comment: ATP8B1 p.Asn1029Lys (c.3087C>A) is a missense variant that changes the amino acid at residue 1029 from Asparagine to Lysine. This variant has been observed in at least one proband with features of ATP8B1-deficiency (PMID:34942279). It is absent or not present at a significant frequency in gnomAD. In conclusion, we classify ATP8B1 p.Asn1029Lys (c.3087C>A) as a variant of uncertain significance.

Women's Health and Genetics/Laboratory Corporation of America, LabCorp
Classification: Uncertain significance. Last evaluated: 2024-08-21. Review status: criteria provided, single submitter. Criteria: LabCorp Variant Classification Summary - May 2015. Collection method: clinical testing. Allele origin: germline.
Comment: Variant summary: ATP8B1 c.3087C>A (p.Asn1029Lys) results in a non-conservative amino acid change located in the P-type ATPase, C-terminal domain (IPR032630) of the encoded protein sequence. Four of five in-silico tools predict a damaging effect of the variant on protein function. The variant was absent in 251482 control chromosomes. The available data on variant occurrences in the general population are insufficient to allow any conclusion about variant significance. c.3087C>A has been reported in the literature in the compound heterozygous state in at least one individual affected with Familial Intrahepatic Cholestasis (e.g. Mnguez_2022). These report(s) do not provide unequivocal conclusions about association of the variant with Familial Intrahepatic Cholestasis. To our knowledge, no experimental evidence demonstrating an impact on protein function has been reported. The following publication have been ascertained in the context of this evaluation (PMID: 34942279). No submitters have cited clinical-significance assessments for this variant to ClinVar. Based on the evidence outlined above, the variant was classified as uncertain significance.

Literature cited by the submitters: PubMed 34942279 (cited by Genomenon, Inc and Women's Health and Genetics/Laboratory Corporation of America, LabCorp).